The following is an entry in ClinVar:

NM_000720.4(CACNA1D):c.1529G>A (p.Arg510Gln)

Gene: CACNA1D (calcium voltage-gated channel subunit alpha1 D; plus strand). Cytogenetic location: 3p21.1.
Variant type: single nucleotide variant.
Coding change: c.1529G>A on transcript NM_000720.4 (MANE Plus Clinical); coding-DNA position 1529, G replaced by A.
Protein change: p.Arg510Gln; replaces arginine 510 with glutamine.
Molecular consequence: missense variant. On other transcripts: intron variant (2).
Genome position (GRCh38, 1-based): chr3:53,718,732, G>A. VCF-style: chr3-53718732-G-A. GRCh37 (hg19) VCF-style: chr3-53752759-G-A.
Other names: c.1478+344G>A (NM_001128840.3, NM_001128839.3); short protein forms R510Q.
Identifiers: ClinVar variation 1944101 (VCV001944101.6), dbSNP rs1325536642, ClinGen allele CA353236196.

ClinVar aggregate classification (germline): Uncertain significance. Review status: criteria provided, multiple submitters, no conflicts (2 of 4 stars). 2 submissions from 2 submitters: Uncertain significance (2). Last evaluated 2025-03-12.

Allele frequency attached by ClinVar (database versions not stated): TOPMed 0.00001.
gnomAD v4.1: 14 of 1,555,546 alleles (0.0009%); highest among the groups gnomAD compares: Admixed American, 0.0019%; no homozygotes.

Submissions (2):

Labcorp Genetics (formerly Invitae), Labcorp
Classification: Uncertain significance. Last evaluated: 2025-03-12. Review status: criteria provided, single submitter. Criteria: Invitae Variant Classification Sherloc (09022015). Collection method: clinical testing. Allele origin: germline.
Comment: This sequence change replaces arginine, which is basic and polar, with glutamine, which is neutral and polar, at codon 510 of the CACNA1D protein (p.Arg510Gln). This variant is present in population databases (no rsID available, gnomAD no frequency). This variant has not been reported in the literature in individuals affected with CACNA1D-related conditions. ClinVar contains an entry for this variant (Variation ID: 1944101). An algorithm developed to predict the effect of missense changes on protein structure and function outputs the following: PolyPhen-2: "Benign". The glutamine amino acid residue is found in multiple mammalian species, which suggests that this missense change does not adversely affect protein function. In summary, the available evidence is currently insufficient to determine the role of this variant in disease. Therefore, it has been classified as a Variant of Uncertain Significance.

Blueprint Genetics
Classification: Uncertain significance. Last evaluated: 2021-09-02. Review status: criteria provided, single submitter. Criteria: ACMG Guidelines, 2015. Collection method: clinical testing. Allele origin: germline.